The following is an entry in ClinVar:

NM_001330588.2(TPP2):c.2409A>G (p.Lys803=)

Gene: TPP2 (tripeptidyl peptidase 2; plus strand). Cytogenetic location: 13q33.1.
Variant type: single nucleotide variant.
Coding change: c.2409A>G on transcript NM_001330588.2 (MANE Select); coding-DNA position 2409, A replaced by G.
Protein change: p.Lys803=; no amino-acid change (lysine 803 retained).
Molecular consequence: synonymous variant. On other transcripts: non-coding transcript variant (1).
Genome position (GRCh38, 1-based): chr13:102,646,309, A>G. VCF-style: chr13-102646309-A-G. GRCh37 (hg19) VCF-style: chr13-103298659-A-G.
Other names: p.Lys803=; c.2409A>G, p.Lys803= (NM_001367947.1, NM_003291.4); c.2409A>G (NM_003291.3).
Identifiers: ClinVar variation 1136717 (VCV001136717.12), dbSNP rs145608159, ClinGen allele CA7038014.
Genomic context (GRCh38, chr13:102,646,309, plus strand): 5'-AATGAACTCTTGAATCAAACCAGTTATGTAGTTTCCTCATTACAGCCCAGTGAGTGCAAA[A>G]ACAAAACCTTTAGGATCAAGAGATGTTTTGCCAAATAACCGTCAACTTTATGAGATGGTC-3'
Protein context (NP_001317517.1, residues 793-813): WVQTLRPVSA[Lys803=]TKPLGSRDVL

ClinVar aggregate classification (germline): Likely benign. Review status: criteria provided, multiple submitters, no conflicts (2 of 4 stars). 3 submissions from 3 submitters: Likely benign (2). 1 of the submissions does not count toward it. Last evaluated 2025-10-21.

Conditions:
TPP2-related disorder. Also called: TPP2-related condition.
Evans syndrome, immunodeficiency, and premature immunosenescence associated with tripeptidyl-peptidase II deficiency. Identifiers: MedGen CN231723. Disease mechanism: loss of function.

Allele frequency attached by ClinVar (database versions not stated): gnomAD 0.00006 and 0.00007; gnomAD exomes 0.00006 and 0.00010; TOPMed 0.00006; ExAC 0.00007; ESP Exome Variant Server 0.00023.
gnomAD v4.1: 157 of 1,612,546 alleles (0.0097%); highest among the groups gnomAD compares: Non-Finnish European, 0.013%; no homozygotes.

Submissions (3):

Labcorp Genetics (formerly Invitae), Labcorp
Classification: Likely benign for Evans syndrome, immunodeficiency, and premature immunosenescence associated with tripeptidyl-peptidase II deficiency. Last evaluated: 2025-10-21. Review status: criteria provided, single submitter. Criteria: Invitae Variant Classification Sherloc (09022015). Collection method: clinical testing. Allele origin: germline.

Mayo Clinic Laboratories, Mayo Clinic
Classification: Likely benign. Last evaluated: 2025-01-20. Review status: criteria provided, single submitter. Criteria: ACMG Guidelines, 2015. Collection method: clinical testing. Allele origin: germline. Observed: 1 variant allele.
Comment: BP4, BP7

PreventionGenetics, part of Exact Sciences
Classification: Likely benign for TPP2-related condition. Last evaluated: 2019-07-10. Review status: no assertion criteria provided. Collection method: clinical testing. Allele origin: germline. Not counted in ClinVar's aggregate classification.
Comment: This variant is classified as likely benign based on ACMG/AMP sequence variant interpretation guidelines (Richards et al. 2015 PMID: 25741868, with internal and published modifications).